The following is an entry in ClinVar:

NM_032608.7(MYO18B):c.1579+6T>C

Gene: MYO18B (myosin XVIIIB; plus strand). Cytogenetic location: 22q12.1.
Variant type: single nucleotide variant.
Coding change: c.1579+6T>C on transcript NM_032608.7 (MANE Select); 6 bases into the intron after coding-DNA position 1579, T replaced by C.
Molecular consequence: intron variant.
Genome position (GRCh38, 1-based): chr22:25,770,182, T>C. VCF-style: chr22-25770182-T-C. GRCh37 (hg19) VCF-style: chr22-26166149-T-C.
Other names: c.1579+6T>C (NM_001318245.2).
Identifiers: ClinVar variation 1978605 (VCV001978605.4), dbSNP rs1309906651, ClinGen allele CA2580099358.
Genomic context (GRCh38, chr22:25,770,182, plus strand): 5'-AGATGGTATGAGGCAGAGAAAGTCTGGCTGGCTCAGAAGGATGGATTTACTCTTGGTAAG[T>C]AGGGGTGTTAGCACCTTTGGAGGGTCTGAGTCTTCTCCTGTGCCCCCTACTGCTGCCAGC-3'

ClinVar aggregate classification (germline): Uncertain significance (1 of 4 stars; one submission).

gnomAD v4.1: 1 of 1,613,816 alleles (0.000062%); highest among the groups gnomAD compares: Admixed American, 0.0017%; no homozygotes.

Submission:

Labcorp Genetics (formerly Invitae), Labcorp
Classification: Uncertain significance. Last evaluated: 2021-12-15. Review status: criteria provided, single submitter. Criteria: Invitae Variant Classification Sherloc (09022015). Collection method: clinical testing. Allele origin: germline.
Comment: In summary, the available evidence is currently insufficient to determine the role of this variant in disease. Therefore, it has been classified as a Variant of Uncertain Significance. Variants that disrupt the consensus splice site are a relatively common cause of aberrant splicing (PMID: 17576681, 9536098). Experimental studies and prediction algorithms are not available or were not evaluated, and the effect of this variant on mRNA splicing is currently unknown. This variant has not been reported in the literature in individuals affected with MYO18B-related conditions. This variant is not present in population databases (gnomAD no frequency). This sequence change falls in intron 5 of the MYO18B gene. It does not directly change the encoded amino acid sequence of the MYO18B protein. It affects a nucleotide within the consensus splice site.

Literature cited by the submitters: PubMed 17576681; PubMed 9536098.